The following is an entry in ClinVar:

ClinVar aggregate classification (germline): Uncertain significance (1 of 4 stars; one submission).

Conditions:
Pitt-Hopkins-like syndrome 2 (PTHSL2). Identifiers: Orphanet 221150, Orphanet 600663, MedGen C3280479, MONDO:0013690, OMIM 614325.

gnomAD v4.1: 5 of 1,599,980 alleles (0.00031%); highest among the groups gnomAD compares: African/African-American, 0.004%; no homozygotes.

Submission:

Labcorp Genetics (formerly Invitae), Labcorp
Classification: Uncertain significance for Pitt-Hopkins-like syndrome 2. Last evaluated: 2025-01-30. Review status: criteria provided, single submitter. Criteria: Invitae Variant Classification Sherloc (09022015). Collection method: clinical testing. Allele origin: germline.
Comment: This sequence change replaces leucine, which is neutral and non-polar, with glutamine, which is neutral and polar, at codon 83 of the NRXN1 protein (p.Leu83Gln). This variant is present in population databases (rs761718723, gnomAD 0.004%). This variant has not been reported in the literature in individuals affected with NRXN1-related conditions. An algorithm developed to predict the effect of missense changes on protein structure and function (PolyPhen-2) suggests that this variant is likely to be disruptive. In summary, the available evidence is currently insufficient to determine the role of this variant in disease. Therefore, it has been classified as a Variant of Uncertain Significance.

NM_001330078.2(NRXN1):c.248T>A (p.Leu83Gln)

Gene: NRXN1 (neurexin 1; minus strand). Cytogenetic location: 2p16.3.
Variant type: single nucleotide variant.
Coding change: c.248T>A on transcript NM_001330078.2 (MANE Select); coding-DNA position 248, T replaced by A.
Protein change: p.Leu83Gln; replaces leucine 83 with glutamine.
Molecular consequence: missense variant.
Genome position (GRCh38, 1-based): chr2:51,028,026, A>T on the plus strand (T>A on the coding strand, the complement: NRXN1 is on the minus strand). VCF-style: chr2-51028026-A-T. GRCh37 (hg19) VCF-style: chr2-51255164-A-T.
Other names: c.248T>A, p.Leu83Gln (NM_001330095.2, NM_001330096.2, NM_004801.6 and 15 more transcripts); short protein forms L83Q.
Identifiers: ClinVar variation 3628033 (VCV003628033.2).